The following is an entry in ClinVar:

NM_000548.5(TSC2):c.4067G>T (p.Gly1356Val)

Gene: TSC2 (TSC complex subunit 2; plus strand). Cytogenetic location: 16p13.3.
Variant type: single nucleotide variant.
Coding change: c.4067G>T on transcript NM_000548.5 (MANE Select); coding-DNA position 4067, G replaced by T.
Protein change: p.Gly1356Val; replaces glycine 1356 with valine.
Molecular consequence: missense variant.
Genome position (GRCh38, 1-based): chr16:2,084,289, G>T. VCF-style: chr16-2084289-G-T. GRCh37 (hg19) VCF-style: chr16-2134290-G-T.
Other names: c.3866G>T, p.Gly1289Val (NM_001077183.3); c.3998G>T, p.Gly1333Val (NM_001114382.3); c.3758G>T, p.Gly1253Val (NM_001318827.2); c.3722G>T, p.Gly1241Val (NM_001318829.2); c.3335G>T, p.Gly1112Val (NM_001318831.2); c.3899G>T, p.Gly1300Val (NM_001318832.2); c.3869G>T, p.Gly1290Val (NM_001363528.2); c.3935G>T, p.Gly1312Val (NM_001370404.1); and 1 more; short protein forms G1356V, G1289V, G1300V, G1313V, G1290V, G1112V, G1241V, G1253V.
Identifiers: ClinVar variation 432576 (VCV000432576.21), dbSNP rs747104864, ClinGen allele CA394299390.
Genomic context (GRCh38, chr16:2,084,289, plus strand): 5'-CGTCCTCAGTCTCCAGCCAGGAGGAGAAGTCGCTCCACGCGGAGGAGCTGGTTGGCAGGG[G>T]CATCCCCATCGAGCGAGTCGTCTCCTCGGAGGGTGGCCGGCCCTCTGTGGACCTCTCCTT-3'
Protein context (NP_000539.2, residues 1346-1366): SLHAEELVGR[Gly1356Val]IPIERVVSSE

ClinVar aggregate classification (germline): Conflicting classifications of pathogenicity. Review status: criteria provided, conflicting classifications (1 of 4 stars). 6 submissions from 6 submitters: Uncertain significance (4); Benign (1); Likely benign (1). Last evaluated 2025-12-17.

Conditions:
Tuberous sclerosis syndrome (TSC). Also called: Tuberous Sclerosis Complex; Tuberous sclerosis. Identifiers: Orphanet 805, MedGen C0041341, MONDO:0001734.
Hereditary cancer-predisposing syndrome. Also called: Hereditary neoplastic syndrome; Tumor predisposition; Neoplastic Syndromes, Hereditary; Hereditary Cancer Syndrome. Identifiers: Orphanet 140162, MedGen C0027672, MeSH D009386, MONDO:0015356.
Tuberous sclerosis 2 (TSC2). Identifiers: Orphanet 805, MedGen C1860707, MONDO:0013199, OMIM 613254.

Submissions (6):

Labcorp Genetics (formerly Invitae), Labcorp
Classification: Benign for Tuberous sclerosis 2. Last evaluated: 2025-12-17. Review status: criteria provided, single submitter. Criteria: Invitae Variant Classification Sherloc (09022015). Collection method: clinical testing. Allele origin: germline.

Ambry Genetics
Classification: Likely benign for Hereditary cancer-predisposing syndrome. Last evaluated: 2024-12-08. Review status: criteria provided, single submitter. Criteria: Ambry Variant Classification Scheme 2023. Collection method: clinical testing. Allele origin: germline.

GeneDx
Classification: Uncertain significance. Last evaluated: 2024-07-16. Review status: criteria provided, single submitter. Criteria: GeneDx Variant Classification Process June 2021. Collection method: clinical testing. Allele origin: germline. Affected: yes.
Comment: Not observed at significant frequency in large population cohorts (gnomAD); In silico analysis supports that this missense variant has a deleterious effect on protein structure/function; Has not been previously reported as a pathogenic or benign germline variant to our knowledge; This variant is associated with the following publications: (PMID: 22610119)

Color Diagnostics, LLC DBA Color Health
Classification: Uncertain significance for Tuberous sclerosis syndrome. Last evaluated: 2024-03-06. Review status: criteria provided, single submitter. Criteria: ACMG Guidelines, 2015. Collection method: clinical testing. Allele origin: germline.
Comment: This missense variant replaces glycine with valine at codon 1356 of the TSC2 protein. Computational prediction is inconclusive regarding the impact of this variant on protein structure and function. To our knowledge, functional studies have not been reported for this variant. This variant has not been reported in individuals affected with tuberous sclerosis complex in the literature. This variant has not been identified in the general population by the Genome Aggregation Database (gnomAD). The available evidence is insufficient to determine the role of this variant in disease conclusively. Therefore, this variant is classified as a Variant of Uncertain Significance.

All of Us Research Program, National Institutes of Health
Classification: Uncertain significance for Tuberous sclerosis syndrome. Last evaluated: 2024-01-11. Review status: criteria provided, single submitter. Criteria: ACMG Guidelines, 2015. Collection method: clinical testing. Allele origin: germline. Inheritance: Autosomal dominant inheritance. Observed: 3 variant alleles, 3 heterozygotes.
Comment: This missense variant replaces glycine with valine at codon 1356 of the TSC2 protein. Computational prediction is inconclusive regarding the impact of this variant on protein structure and function (internally defined REVEL score threshold 0.5 < inconclusive < 0.7, PMID: 27666373). To our knowledge, functional studies have not been reported for this variant. This variant has not been reported in individuals affected with tuberous sclerosis complex in the literature. This variant has not been identified in the general population by the Genome Aggregation Database (gnomAD). The available evidence is insufficient to determine the role of this variant in disease conclusively. Therefore, this variant is classified as a Variant of Uncertain Significance.

This study involves interpretation of variants in research participants for the purpose of population health screening. Participant phenotype was not available at the time of variant classification. Additional details can be found in publication PMID: 35346344, PMCID: PMC8962531

Genome-Nilou Lab
Classification: Uncertain significance for Tuberous sclerosis 2. Last evaluated: 2021-11-07. Review status: criteria provided, single submitter. Criteria: ACMG Guidelines, 2015. Collection method: clinical testing. Allele origin: germline. Affected: no.